The following is an entry in ClinVar:

NM_001754.5(RUNX1):c.1035_1036dup (p.Arg346fs)

Gene: RUNX1 (RUNX family transcription factor 1; minus strand). Cytogenetic location: 21q22.12.
Variant type: Duplication.
Coding change: c.1035_1036dup on transcript NM_001754.5 (MANE Select); coding-DNA positions 1035 to 1036, 2 bases duplicated (CC; older notation c.1035_1036dupCC).
Protein change: p.Arg346fs; shifts the reading frame from arginine 346.
Molecular consequence: frameshift variant.
Genome position (GRCh38, 1-based): chr21:34,792,542-34,792,543, GG duplicated on the plus strand (CC on the coding strand, the reverse complement: RUNX1 is on the minus strand); duplicating any 2 consecutive bases within chr21:34,792,542-34,792,546 gives the same sequence; the c. name uses the placement nearest the transcript's 3' end. VCF-style (leftmost placement, unchanged base first): chr21-34792541-C-CGG. GRCh37 (hg19) VCF-style: chr21-36164838-C-CGG.
Other names: NM_001754.5(RUNX1):c.1035_1036dup; p.Arg346fs; c.1035_1036dupCC (NM_001754.4); c.954_955dup, p.Arg319fs (NM_001001890.3); short protein forms R319fs, R346fs.
Identifiers: ClinVar variation 640778 (VCV000640778.12), dbSNP rs1601333612, ClinGen allele CA915952603.

ClinVar aggregate classification (germline): Likely pathogenic. Review status: reviewed by expert panel (3 of 4 stars). 2 submissions from 2 submitters: Likely pathogenic (1). 1 of the submissions does not count toward it. Last evaluated 2026-10-02.

Conditions:
Hereditary thrombocytopenia and hematologic cancer predisposition syndrome. Identifiers: Orphanet 71290, MedGen CN281654, MONDO:0011071.
Hereditary thrombocytopenia and hematological cancer predisposition syndrome associated with RUNX1. Also called: Familial Platelet Disorder with Propensity to Acute Myelogenous Leukemia; Familial thrombocytopenia with propensity to acute myelogenous leukemia; PLATELET DISORDER, ASPIRIN-LIKE; RUNX1 Familial Platelet Disorder with Associated Myeloid Malignancies. Identifiers: Orphanet 71290, MedGen C1832388, MeSH C563324, MONDO:0100083, OMIM 601399.

Submissions (2):

ClinGen Myeloid Malignancy Variant Curation Expert Panel
Classification: Likely pathogenic for Hereditary thrombocytopenia and hematologic cancer predisposition syndrome. Last evaluated: 2026-10-02. Review status: reviewed by expert panel. Criteria: ClinGen MyeloMalig ACMG Specifications V3.1. Collection method: curation. Allele origin: germline. Inheritance: Autosomal dominant inheritance.
Comment: NM_001754.5(RUNX1):c.1035_1036dup (p.Arg346ProfsTer?) is a frameshift variant which is not predicted to undergo NMD (PVS1_Strong). This variant is downstream of c.98 (PM5_Supporting) and is completely absent from all population databases with at least 20x coverage for RUNX1 (PM2_Supporting). This variant has been reported in two probands meeting at least one of the RUNX1-phenotypic criteria (PS4_moderate; PMID: 28933735, RUNX1 Natural History Study). In summary, this variant is classified as likely pathogenic. ACMG/AMP criteria applied, as specified by the Myeloid Malignancy Variant Curation Expert Panel for RUNX1: PVS1_Strong, PM5_Supporting, PM2_Supporting, PS4_Moderate.

Labcorp Genetics (formerly Invitae), Labcorp
Classification: Uncertain significance for Hereditary thrombocytopenia and hematological cancer predisposition syndrome associated with RUNX1. Last evaluated: 2023-09-17. Review status: criteria provided, single submitter. Criteria: Invitae Variant Classification Sherloc (09022015). Collection method: clinical testing. Allele origin: germline. Not counted in ClinVar's aggregate classification.
Comment: In summary, the available evidence is currently insufficient to determine the role of this variant in disease. Therefore, it has been classified as a Variant of Uncertain Significance. ClinVar contains an entry for this variant (Variation ID: 640778). This variant has not been reported in the literature in individuals affected with RUNX1-related conditions. This variant is not present in population databases (gnomAD no frequency). This sequence change results in a frameshift in the RUNX1 gene (p.Arg346Profs*249). While this is not anticipated to result in nonsense mediated decay, it is expected to disrupt the last 135 amino acid(s) of the RUNX1 protein and extend the protein by 113 additional amino acid residues.